The following is an entry in ClinVar:

ClinVar aggregate classification (germline): Uncertain significance (1 of 4 stars; one submission).

Conditions:
Familial cancer of breast. Also called: Hereditary breast cancer; BREAST CANCER, FAMILIAL; hereditary breast carcinoma. Identifiers: Orphanet 227535, MedGen C0346153, MONDO:0016419, OMIM 114480. Disease mechanism: loss of function.

gnomAD v4.1: 1 of 1,614,056 alleles (0.000062%); highest among the groups gnomAD compares: Non-Finnish European, 0.000085%; no homozygotes.

Submission:

Labcorp Genetics (formerly Invitae), Labcorp
Classification: Uncertain significance for Familial cancer of breast. Last evaluated: 2023-09-12. Review status: criteria provided, single submitter. Criteria: Invitae Variant Classification Sherloc (09022015). Collection method: clinical testing. Allele origin: germline.
Comment: This sequence change replaces serine, which is neutral and polar, with cysteine, which is neutral and slightly polar, at codon 629 of the PALB2 protein (p.Ser629Cys). This variant has not been reported in the literature in individuals affected with PALB2-related conditions. This variant is not present in population databases (gnomAD no frequency). In summary, the available evidence is currently insufficient to determine the role of this variant in disease. Therefore, it has been classified as a Variant of Uncertain Significance. Advanced modeling of protein sequence and biophysical properties (such as structural, functional, and spatial information, amino acid conservation, physicochemical variation, residue mobility, and thermodynamic stability) has been performed at Invitae for this missense variant, however the output from this modeling did not meet the statistical confidence thresholds required to predict the impact of this variant on PALB2 protein function.

NM_024675.4(PALB2):c.1886C>G (p.Ser629Cys)

Gene: PALB2 (partner and localizer of BRCA2; minus strand). Cytogenetic location: 16p12.2.
Variant type: single nucleotide variant.
Coding change: c.1886C>G on transcript NM_024675.4 (MANE Select); coding-DNA position 1886, C replaced by G.
Protein change: p.Ser629Cys; replaces serine 629 with cysteine.
Molecular consequence: missense variant. On other transcripts: intron variant (1).
Genome position (GRCh38, 1-based): chr16:23,630,268, G>C on the plus strand (C>G on the coding strand, the complement: PALB2 is on the minus strand). VCF-style: chr16-23630268-G-C. GRCh37 (hg19) VCF-style: chr16-23641589-G-C.
Other names: c.1826C>G, p.Ser609Cys (NM_001407296.1); c.1886C>G, p.Ser629Cys (NM_001407297.1, NM_001407298.1, NM_001407299.1 and 3 more transcripts); c.1001C>G, p.Ser334Cys (NM_001407304.1, NM_001407305.1, NM_001407306.1 and 5 more transcripts); c.98C>G, p.Ser33Cys (NM_001407312.1, NM_001407313.1); c.49-993C>G (NM_001407314.1); short protein forms S334C, S33C, S609C, S629C.
Identifiers: ClinVar variation 2760225 (VCV002760225.3), dbSNP rs1169756751, ClinGen allele CA395127630.